The following is an entry in ClinVar:

ClinVar aggregate classification (germline): Uncertain significance. Review status: criteria provided, multiple submitters, no conflicts (2 of 4 stars). 3 submissions from 3 submitters: Uncertain significance (2). 1 of the submissions does not count toward it. Last evaluated 2021-11-04.

Conditions:
Familial long QT syndrome (RWS). Also called: Congenital long QT syndrome; Romano-Ward syndrome; VENTRICULAR FIBRILLATION WITH PROLONGED QT INTERVAL. Identifiers: Orphanet 768, MedGen C1141890, MONDO:0019171.
Atrial fibrillation, familial, 4 (ATFB4). Identifiers: MedGen C1862394, MONDO:0012677, OMIM 611493.
Long QT syndrome 6 (LQT6). Identifiers: Orphanet 101016, Orphanet 768, MedGen C3150953, MONDO:0013370, OMIM 613693.

Allele frequency attached by ClinVar (database versions not stated): TOPMed 0.00002.
gnomAD v4.1: 7 of 1,613,934 alleles (0.00043%); highest among the groups gnomAD compares: Admixed American, 0.012%; no homozygotes.

Submissions (3):

Fulgent Genetics
Classification: Uncertain significance for Atrial fibrillation, familial, 4; Long QT syndrome 6. Last evaluated: 2021-11-04. Review status: criteria provided, single submitter. Criteria: ACMG Guidelines, 2015. Collection method: clinical testing. Allele origin: unknown.

Labcorp Genetics (formerly Invitae), Labcorp
Classification: Uncertain significance for Long QT syndrome 6. Last evaluated: 2021-08-31. Review status: criteria provided, single submitter. Criteria: Invitae Variant Classification Sherloc (09022015). Collection method: clinical testing. Allele origin: germline.
Comment: This sequence change replaces valine with leucine at codon 65 of the KCNE2 protein (p.Val65Leu). The valine residue is highly conserved and there is a small physicochemical difference between valine and leucine. This variant is present in population databases (rs199473364, ExAC 0.03%). This missense change has been observed in individual(s) with suspected LQTS (PMID: 19716085). Algorithms developed to predict the effect of missense changes on protein structure and function (SIFT, PolyPhen-2, Align-GVGD) all suggest that this variant is likely to be disruptive. In summary, the available evidence is currently insufficient to determine the role of this variant in disease. Therefore, it has been classified as a Variant of Uncertain Significance.

Cardiovascular Biomedical Research Unit, Royal Brompton & Harefield NHS Foundation Trust
No classification provided. Condition: Familial long QT syndrome. Review status: no classification provided. Collection method: literature only. Allele origin: germline. Not counted in ClinVar's aggregate classification.
Comment: This variant has been reported as associated with Long QT syndrome in the following publications (PMID:19716085). This is a literature report, and does not necessarily reflect the clinical interpretation of the Imperial College / Royal Brompton Cardiovascular Genetics laboratory.

Literature cited by the submitters: PubMed 19716085 (cited by Labcorp Genetics (formerly Invitae), Labcorp and Cardiovascular Biomedical Research Unit, Royal Brompton & Harefield NHS Foundation Trust); PubMed 22581653 (cited by Cardiovascular Biomedical Research Unit, Royal Brompton & Harefield NHS Foundation Trust).

NM_172201.2(KCNE2):c.193G>C (p.Val65Leu)

Genes: KCNE2 (potassium voltage-gated channel subfamily E regulatory subunit 2; plus strand), LOC105372791 (uncharacterized LOC105372791; minus strand). Cytogenetic location: 21q22.11.
Variant type: single nucleotide variant.
Coding change: c.193G>C on transcript NM_172201.2 (MANE Select); coding-DNA position 193, G replaced by C.
Protein change: p.Val65Leu; replaces valine 65 with leucine.
Molecular consequence: missense variant.
Genome position (GRCh38, 1-based): chr21:34,370,671, G>C. VCF-style: chr21-34370671-G-C. GRCh37 (hg19) VCF-style: chr21-35742970-G-C.
Other names: c.193G>C (LRG_291t1); short protein forms V65L.
Identifiers: ClinVar variation 67612 (VCV000067612.5), dbSNP rs199473364, ClinGen allele CA329750.